The following is an entry in ClinVar:

NM_012330.4(KAT6B):c.5918C>G (p.Pro1973Arg)

Gene: KAT6B (lysine acetyltransferase 6B; plus strand). Cytogenetic location: 10q22.2.
Variant type: single nucleotide variant.
Coding change: c.5918C>G on transcript NM_012330.4 (MANE Select); coding-DNA position 5918, C replaced by G.
Protein change: p.Pro1973Arg; replaces proline 1973 with arginine.
Molecular consequence: missense variant.
Genome position (GRCh38, 1-based): chr10:75,030,742, C>G. VCF-style: chr10-75030742-C-G. GRCh37 (hg19) VCF-style: chr10-76790500-C-G.
Other names: c.5369C>G, p.Pro1790Arg (NM_001256468.2, NM_001370138.1); c.5042C>G, p.Pro1681Arg (NM_001256469.2, NM_001370139.1, NM_001370140.1 and 2 more transcripts); c.4880C>G, p.Pro1627Arg (NM_001370132.1); c.4229C>G, p.Pro1410Arg (NM_001370133.1); c.3833C>G, p.Pro1278Arg (NM_001370134.1); c.3575C>G, p.Pro1192Arg (NM_001370135.1); c.5918C>G, p.Pro1973Arg (NM_001370136.1, NM_001370137.1); c.4853C>G, p.Pro1618Arg (NM_001370143.1, NM_001370144.1); short protein forms P1681R, P1973R, P1192R, P1278R, P1790R, P1410R, P1618R, P1627R.
Identifiers: ClinVar variation 2884883 (VCV002884883.3), dbSNP rs2549216498, ClinGen allele CA377302535.
Genomic context (GRCh38, chr10:75,030,742, plus strand): 5'-AGGGTCCTGCACGGACTTTAACGATGCAAAGAGGCATGAACATGAGTGTGAACCTGATGC[C>G]AGCGCCAGCCTACAATGTCAACTCTGTGAACATGAACATGAACACTCTCAACGCCATGAA-3'
Protein context (NP_036462.2, residues 1963-1983): RGMNMSVNLM[Pro1973Arg]APAYNVNSVN

ClinVar aggregate classification (germline): Uncertain significance (1 of 4 stars; one submission).

Conditions:
Genitopatellar syndrome (GTPTS). Also called: Genitopatellar syndrome (GPS); ABSENT PATELLAE, SCROTAL HYPOPLASIA, RENAL ANOMALIES, FACIAL DYSMORPHISM, AND MENTAL RETARDATION. Identifiers: Orphanet 85201, MedGen C1853566, MONDO:0011640, OMIM 606170.

Submission:

Labcorp Genetics (formerly Invitae), Labcorp
Classification: Uncertain significance for Genitopatellar syndrome. Last evaluated: 2024-01-06. Review status: criteria provided, single submitter. Criteria: Invitae Variant Classification Sherloc (09022015). Collection method: clinical testing. Allele origin: germline.
Comment: This sequence change replaces proline, which is neutral and non-polar, with arginine, which is basic and polar, at codon 1973 of the KAT6B protein (p.Pro1973Arg). This variant is not present in population databases (gnomAD no frequency). This variant has not been reported in the literature in individuals affected with KAT6B-related conditions. An algorithm developed to predict the effect of missense changes on protein structure and function (PolyPhen-2) suggests that this variant is likely to be disruptive. In summary, the available evidence is currently insufficient to determine the role of this variant in disease. Therefore, it has been classified as a Variant of Uncertain Significance.